The following is an entry in ClinVar:

ClinVar aggregate classification (germline): Likely benign. Review status: criteria provided, single submitter (1 of 4 stars). 2 submissions from 2 submitters: Likely benign (1). 1 of the submissions does not count toward it. Last evaluated 2022-02-24.

Conditions:
SLC12A6-related disorder. Also called: SLC12A6-related condition.

Allele frequency attached by ClinVar (database versions not stated): gnomAD exomes below 0.00001.
gnomAD v4.1: 1 of 1,613,490 alleles (0.000062%); highest among the groups gnomAD compares: Non-Finnish European, 0.000085%; no homozygotes.

Submissions (2):

Labcorp Genetics (formerly Invitae), Labcorp
Classification: Likely benign. Last evaluated: 2022-02-24. Review status: criteria provided, single submitter. Criteria: Invitae Variant Classification Sherloc (09022015). Collection method: clinical testing. Allele origin: germline.

PreventionGenetics, part of Exact Sciences
Classification: Likely benign for SLC12A6-related condition. Last evaluated: 2019-03-28. Review status: no assertion criteria provided. Collection method: clinical testing. Allele origin: germline. Not counted in ClinVar's aggregate classification.
Comment: This variant is classified as likely benign based on ACMG/AMP sequence variant interpretation guidelines (Richards et al. 2015 PMID: 25741868, with internal and published modifications).

NM_001365088.1(SLC12A6):c.2775A>G (p.Leu925=)

Gene: SLC12A6 (solute carrier family 12 member 6; minus strand). Cytogenetic location: 15q14.
Variant type: single nucleotide variant.
Coding change: c.2775A>G on transcript NM_001365088.1 (MANE Select); coding-DNA position 2775, A replaced by G.
Protein change: p.Leu925=; no amino-acid change (leucine 925 retained).
Molecular consequence: synonymous variant.
Genome position (GRCh38, 1-based): chr15:34,238,259, T>C on the plus strand (A>G on the coding strand, the complement: SLC12A6 is on the minus strand). VCF-style: chr15-34238259-T-C. GRCh37 (hg19) VCF-style: chr15-34530460-T-C.
Other names: c.2598A>G, p.Leu866= (NM_001042494.2, NM_001042495.2); c.2748A>G, p.Leu916= (NM_001042496.2); c.2730A>G, p.Leu910= (NM_001042497.2); c.2622A>G, p.Leu874= (NM_005135.2); c.2775A>G, p.Leu925= (NM_133647.2).
Identifiers: ClinVar variation 2170982 (VCV002170982.6), dbSNP rs2509752967, ClinGen allele CA489412311.
Genomic context (GRCh38, chr15:34,238,259, plus strand): 5'-AGACTTTTGTAAAAAAAAAGTTGTATAAAATACCTTGTGCTGTTTCAGTAGGAATGGTAG[T>C]AGCATAAGCATCCCCCCATCATGCACAATCCACCACACATCAATGTTGCCCTCAGAAAAT-3'
Protein context (NP_001352017.1, residues 915-935): WIVHDGGMLM[Leu925=]LPFLLKQHKV